The following is an entry in ClinVar:

NM_001013838.3(CARMIL2):c.3783_3786del (p.Ile1262fs)

Gene: CARMIL2 (capping protein regulator and myosin 1 linker 2; plus strand). Cytogenetic location: 16q22.1.
Variant type: Deletion.
Coding change: c.3783_3786del on transcript NM_001013838.3 (MANE Select); coding-DNA positions 3783 to 3786, 4 bases deleted (GATC; older notation c.3783_3786delGATC).
Protein change: p.Ile1262fs; shifts the reading frame from isoleucine 1262.
Molecular consequence: frameshift variant.
Genome position (GRCh38, 1-based): chr16:67,656,268-67,656,271, GATC deleted; deleting any 4 consecutive bases within chr16:67,656,266-67,656,271 gives the same sequence; the c. name uses the placement nearest the transcript's 3' end. VCF-style (leftmost placement, unchanged base first): chr16-67656265-CTCGA-C. GRCh37 (hg19) VCF-style: chr16-67690168-CTCGA-C.
Other names: c.3675_3678del, p.Ile1226fs (NM_001317026.3, NM_001438244.1, NM_001438835.1); short protein forms I1262fs, I1226fs.
Identifiers: ClinVar variation 4725782 (VCV004725782.1).
Genomic context (GRCh38, chr16:67,656,265, plus strand): 5'-GAGTCCCCAGCTCCGCCTTGCAGGTGACATTATGGACAGTTCCACGGAGGCCCCTCCCAT[CTCGA>C]TCAAGTCCCGCACCCACTCTGTGTCTGCTGGTGAGTGAGGGCCACTGTGTGTGTTGGTAG-3'

ClinVar aggregate classification (germline): Pathogenic (1 of 4 stars; one submission).

Submission:

Labcorp Genetics (formerly Invitae), Labcorp
Classification: Pathogenic. Last evaluated: 2025-08-27. Review status: criteria provided, single submitter. Criteria: Invitae Variant Classification Sherloc (09022015). Collection method: clinical testing. Allele origin: germline.
Comment: This sequence change creates a premature translational stop signal (p.Ile1262Serfs*34) in the CARMIL2 gene. It is expected to result in an absent or disrupted protein product. Loss-of-function variants in CARMIL2 are known to be pathogenic (PMID: 27647349, 28112205). This variant is not present in population databases (gnomAD no frequency). This variant has not been reported in the literature in individuals affected with CARMIL2-related conditions. Algorithms developed to predict the effect of sequence changes on RNA splicing suggest that this variant may disrupt the consensus splice site. For these reasons, this variant has been classified as Pathogenic.

Literature cited by the submitters: PubMed 27647349; PubMed 28112205.